The following is an entry in ClinVar:

NM_021116.4(ADCY1):c.2822A>G (p.Lys941Arg)

Gene: ADCY1 (adenylate cyclase 1; plus strand). Cytogenetic location: 7p12.3.
Variant type: single nucleotide variant.
Coding change: c.2822A>G on transcript NM_021116.4 (MANE Select); coding-DNA position 2822, A replaced by G.
Protein change: p.Lys941Arg; replaces lysine 941 with arginine.
Molecular consequence: missense variant.
Genome position (GRCh38, 1-based): chr7:45,708,354, A>G. VCF-style: chr7-45708354-A-G. GRCh37 (hg19) VCF-style: chr7-45747953-A-G.
Other names: short protein forms K941R.
Identifiers: ClinVar variation 2715842 (VCV002715842.3), dbSNP rs144581014, ClinGen allele CA4249371.

ClinVar aggregate classification (germline): Uncertain significance. Review status: criteria provided, multiple submitters, no conflicts (2 of 4 stars). 2 submissions from 2 submitters: Uncertain significance (2). Last evaluated 2024-11-19.

Allele frequency attached by ClinVar (database versions not stated): gnomAD exomes 0.00001; gnomAD 0.00002; TOPMed 0.00003; ExAC 0.00007; ESP Exome Variant Server 0.00008; 1000 Genomes Project 0.00040; 1000 Genomes Project 30x 0.00047.
gnomAD v4.1: 25 of 1,613,660 alleles (0.0015%); highest among the groups gnomAD compares: Middle Eastern, 0.033%; no homozygotes.

Submissions (2):

Blueprint Genetics
Classification: Uncertain significance. Last evaluated: 2024-11-19. Review status: criteria provided, single submitter. Criteria: ACMG Guidelines, 2015. Collection method: clinical testing. Allele origin: germline.

Labcorp Genetics (formerly Invitae), Labcorp
Classification: Uncertain significance. Last evaluated: 2023-10-17. Review status: criteria provided, single submitter. Criteria: Invitae Variant Classification Sherloc (09022015). Collection method: clinical testing. Allele origin: germline.
Comment: This sequence change replaces lysine, which is basic and polar, with arginine, which is basic and polar, at codon 941 of the ADCY1 protein (p.Lys941Arg). This variant is present in population databases (rs144581014, gnomAD 0.05%). This variant has not been reported in the literature in individuals affected with ADCY1-related conditions. Advanced modeling of protein sequence and biophysical properties (such as structural, functional, and spatial information, amino acid conservation, physicochemical variation, residue mobility, and thermodynamic stability) performed at Invitae indicates that this missense variant is not expected to disrupt ADCY1 protein function. In summary, the available evidence is currently insufficient to determine the role of this variant in disease. Therefore, it has been classified as a Variant of Uncertain Significance.